The following is an entry in ClinVar:

ClinVar aggregate classification (germline): Likely pathogenic (1 of 4 stars; one submission).

Conditions:
Pendred syndrome (PDS). Also called: Pendred's syndrome; Pendred Syndrome (PDS); DEAFNESS WITH GOITER; GOITER-DEAFNESS SYNDROME; HYPOTHYROIDISM, CONGENITAL, DUE TO DYSHORMONOGENESIS, 2B; THYROID DYSHORMONOGENESIS 2B. Identifiers: Orphanet 705, MedGen C0271829, MONDO:0010134, OMIM 274600.

Submission:

Department of Otolaryngology – Head & Neck Surgery, Cochlear Implant Center
Classification: Likely pathogenic for Pendred syndrome. Last evaluated: 2021-04-12. Review status: criteria provided, single submitter. Criteria: ClinGen HL ACMG Specifications v1. Collection method: clinical testing. Allele origin: germline. Affected: yes.
Comment: PM2_Moderate, PM3_Supporting, PP3_Supporting, PP4_Supporting

NM_000441.2(SLC26A4):c.1280C>A (p.Ser427Tyr)

Gene: SLC26A4 (solute carrier family 26 member 4; plus strand). Cytogenetic location: 7q22.3.
Variant type: single nucleotide variant.
Coding change: c.1280C>A on transcript NM_000441.2 (MANE Select); coding-DNA position 1280, C replaced by A.
Protein change: p.Ser427Tyr; replaces serine 427 with tyrosine.
Molecular consequence: missense variant.
Genome position (GRCh38, 1-based): chr7:107,694,419, C>A. VCF-style: chr7-107694419-C-A. GRCh37 (hg19) VCF-style: chr7-107334864-C-A.
Other names: short protein forms S427Y.
Identifiers: ClinVar variation 1065046 (VCV001065046.3), dbSNP rs765939287, ClinGen allele CA368840274.